The following is an entry in ClinVar:

NM_017644.3(KLHL24):c.518G>A (p.Arg173His)

Gene: KLHL24 (kelch like family member 24; plus strand). Cytogenetic location: 3q27.1.
Variant type: single nucleotide variant.
Coding change: c.518G>A on transcript NM_017644.3 (MANE Select); coding-DNA position 518, G replaced by A.
Protein change: p.Arg173His; replaces arginine 173 with histidine.
Molecular consequence: missense variant. On other transcripts: 5 prime UTR variant (2), non-coding transcript variant (2).
Genome position (GRCh38, 1-based): chr3:183,650,874, G>A. VCF-style: chr3-183650874-G-A. GRCh37 (hg19) VCF-style: chr3-183368662-G-A.
Other names: c.518G>A, p.Arg173His (NM_001349413.1, NM_001349414.1, NM_001349415.1 and 11 more transcripts); c.-449G>A (NM_001349428.1, NM_001349429.1); short protein forms R173H.
Identifiers: ClinVar variation 4985519 (VCV004985519.1).

ClinVar aggregate classification (germline): Uncertain significance (1 of 4 stars; one submission).

Conditions:
KLHL24-related disorder. Also called: KLHL24-related condition.

gnomAD v4.1: 19 of 1,613,938 alleles (0.0012%); highest among the groups gnomAD compares: Admixed American, 0.0017%; no homozygotes.

Submission:

PreventionGenetics, part of Exact Sciences
Classification: Uncertain significance for KLHL24-related condition. Last evaluated: 2025-12-19. Review status: criteria provided, single submitter. Criteria: ACMG Guidelines, 2015. Collection method: clinical testing. Allele origin: germline.
Comment: The KLHL24 c.518G>A variant is predicted to result in the amino acid substitution p.Arg173His. To our knowledge, this variant has not been reported in the literature. This variant is reported in 0.0029% of alleles in individuals of Latino descent in gnomAD. At this time, the clinical significance of this variant is uncertain due to the absence of conclusive functional and genetic evidence.